The following is an entry in ClinVar:

NM_144997.7(FLCN):c.625G>A (p.Glu209Lys)

Gene: FLCN (folliculin; minus strand). Cytogenetic location: 17p11.2.
Variant type: single nucleotide variant.
Coding change: c.625G>A on transcript NM_144997.7 (MANE Select); coding-DNA position 625, G replaced by A.
Protein change: p.Glu209Lys; replaces glutamic acid 209 with lysine.
Molecular consequence: missense variant.
Genome position (GRCh38, 1-based): chr17:17,222,655, C>T on the plus strand (G>A on the coding strand, the complement: FLCN is on the minus strand). VCF-style: chr17-17222655-C-T. GRCh37 (hg19) VCF-style: chr17-17125969-C-T.
Other names: c.679G>A, p.Glu227Lys (NM_001353229.2); c.625G>A, p.Glu209Lys (NM_001353230.2, NM_001353231.2, NM_144606.7); short protein forms E227K, E209K.
Identifiers: ClinVar variation 3515641 (VCV003515641.1).

ClinVar aggregate classification (germline): Uncertain significance (1 of 4 stars; one submission).

Conditions:
Hereditary cancer-predisposing syndrome. Also called: Tumor predisposition; Neoplastic Syndromes, Hereditary; Hereditary Cancer Syndrome; Hereditary neoplastic syndrome. Identifiers: Orphanet 140162, MedGen C0027672, MeSH D009386, MONDO:0015356.

Submission:

Ambry Genetics
Classification: Uncertain significance for Hereditary cancer-predisposing syndrome. Last evaluated: 2024-08-21. Review status: criteria provided, single submitter. Criteria: Ambry Variant Classification Scheme 2023. Collection method: clinical testing. Allele origin: germline.
Comment: The p.E209K variant (also known as c.625G>A), located in coding exon 4 of the FLCN gene, results from a G to A substitution at nucleotide position 625. The glutamic acid at codon 209 is replaced by lysine, an amino acid with similar properties. This amino acid position is conserved. In addition, the in silico prediction for this alteration is inconclusive. Based on the available evidence, the clinical significance of this variant remains unclear.